The following is an entry in ClinVar:

ClinVar aggregate classification (germline): Pathogenic (3 of 4 stars; one submission).

Conditions:
RPGR-related retinopathy. Also called: RPGR retinopathy. Identifiers: MedGen CN305589, MONDO:0100437.

Submission:

ClinGen X-linked Inherited Retinal Disease Variant Curation Expert Panel, ClinGen
Classification: Pathogenic for RPGR-related retinopathy. Last evaluated: 2026-09-26. Review status: reviewed by expert panel. Criteria: ClinGen X LinkedIRD ACMG Specifications RPGR V1.0.0. Collection method: curation. Allele origin: germline. Inheritance: X-linked inheritance.
Comment: NM_001034853.2(RPGR):c.3119_3123del (p.Glu1040GlyfsTer?) is a frameshift variant caused by a 5 nucleotide deletion, which introduces a premature stop codon in exon 15 of 15 that is predicted to disrupt a critical C-terminal region required for the proper function of RPGR (PVS1, PMID: 36445968). This variant is absent from hemizygous individuals in gnomAD v4.1.1 (PM2_Supporting). At least one proband harboring this variant exhibits a phenotype including 230 gene panel with no alternative explanation (2), cone dystrophy (1), 1st or 2nd decade onset (1), which together are specific for RPGR-related recessive retinopathy (4 points, PMID: 41686256, PP4). In summary, this variant is classified as pathogenic for RPGR-related retinopathy based on the ClinGen X-linked Inherited Retinal Disease Expert Panel Specifications to the ACMG/AMP Variant Interpretation Guidelines for RPGR Version 1.0.0: PSV1, PP4, and PM2_supporting.

NM_001034853.2(RPGR):c.3119_3123del (p.Glu1040fs)

Gene: RPGR (retinitis pigmentosa GTPase regulator; minus strand). Cytogenetic location: Xp11.4.
Variant type: Microsatellite.
Coding change: c.3119_3123del on transcript NM_001034853.2 (MANE Select); coding-DNA positions 3119 to 3123, 5 bases deleted (AGGAG; older notation c.3119_3123delAGGAG).
Protein change: p.Glu1040fs; shifts the reading frame from glutamic acid 1040.
Molecular consequence: frameshift variant. On other transcripts: intron variant (8).
Genome position (GRCh38, 1-based): chrX:38,285,876-38,285,880, CTCCT deleted on the plus strand (AGGAG on the coding strand, the reverse complement: RPGR is on the minus strand); deleting any 5 consecutive bases within chrX:38,285,876-38,285,885 gives the same sequence; the c. name uses the placement nearest the transcript's 3' end. VCF-style (leftmost placement, unchanged base first): chrX-38285875-CCTCCT-C. GRCh37 (hg19) VCF-style: chrX-38145128-CCTCCT-C.
Other names: NM_001034853.2:c.3119_3123del; c.1569+5079_1569+5083del (NM_001367249.1, NM_001367250.1); c.1902+1214_1902+1218del (NM_001367245.1); c.1386+5079_1386+5083del (NM_001367251.1); c.1719+1214_1719+1218del (NM_001367246.1); c.1572+5079_1572+5083del (NM_001367247.1); c.1905+1214_1905+1218del (NM_000328.3); c.1602+5079_1602+5083del (NM_001367248.1); short protein forms E1040fs.
Identifiers: ClinVar variation 4976909 (VCV004976909.1).